The following is an entry in ClinVar:

NM_000059.4(BRCA2):c.3724dup (p.Ser1242fs)

Gene: BRCA2 (BRCA2 DNA repair associated; plus strand). Cytogenetic location: 13q13.1.
Variant type: Duplication.
Coding change: c.3724dup on transcript NM_000059.4 (MANE Select); coding-DNA position 3724, one base duplicated (A; older notation c.3724dupA).
Protein change: p.Ser1242fs; shifts the reading frame from serine 1242.
Molecular consequence: frameshift variant.
Genome position (GRCh38, 1-based): chr13:32,338,079, A duplicated. VCF-style (leftmost placement, unchanged base first): chr13-32338078-T-TA. GRCh37 (hg19) VCF-style: chr13-32912215-T-TA.
Other names: 3952insA; c.3724dupA (NM_000059.3); short protein forms S1242fs.
Identifiers: ClinVar variation 266768 (VCV000266768.8), dbSNP rs886040492, ClinGen allele CA10589218.

ClinVar aggregate classification (germline): Pathogenic. Review status: reviewed by expert panel (3 of 4 stars). 4 submissions from 4 submitters: Pathogenic (1). 3 of the submissions do not count toward it. Last evaluated 2016-10-18.

Conditions:
Hereditary cancer-predisposing syndrome. Also called: Tumor predisposition; Neoplastic Syndromes, Hereditary; Hereditary neoplastic syndrome; Hereditary Cancer Syndrome. Identifiers: Orphanet 140162, MedGen C0027672, MeSH D009386, MONDO:0015356.
Breast-ovarian cancer, familial, susceptibility to, 2 (BROVCA2). Also called: BRCA2 Hereditary Breast and Ovarian Cancer. Identifiers: Orphanet 145, MedGen C2675520, MONDO:0012933, OMIM 612555. Disease mechanism: loss of function.

Submissions (4):

Evidence-based Network for the Interpretation of Germline Mutant Alleles (ENIGMA)
Classification: Pathogenic for Breast-ovarian cancer, familial, susceptibility to, 2. Last evaluated: 2016-10-18. Review status: reviewed by expert panel. Criteria: ENIGMA BRCA1/2 Classification Criteria (2015). Collection method: curation. Allele origin: germline.
Comment: Variant allele predicted to encode a truncated non-functional protein.

Ambry Genetics
Classification: Pathogenic for Hereditary cancer-predisposing syndrome. Last evaluated: 2025-01-16. Review status: criteria provided, single submitter. Criteria: Ambry Variant Classification Scheme 2023. Collection method: clinical testing. Allele origin: germline. Not counted in ClinVar's aggregate classification.
Comment: The c.3724dupA pathogenic mutation, located in coding exon 10 of the BRCA2 gene, results from a duplication of A at nucleotide position 3724, causing a translational frameshift with a predicted alternate stop codon (p.S1242Kfs*2). This variant is considered to be rare based on population cohorts in the Genome Aggregation Database (gnomAD). This alteration is expected to result in loss of function by premature protein truncation or nonsense-mediated mRNA decay. As such, this alteration is interpreted as a disease-causing mutation.

Color Diagnostics, LLC DBA Color Health
Classification: Pathogenic for Hereditary cancer-predisposing syndrome. Last evaluated: 2020-05-21. Review status: criteria provided, single submitter. Criteria: ACMG Guidelines, 2015. Collection method: clinical testing. Allele origin: germline. Not counted in ClinVar's aggregate classification.
Comment: This variant inserts 1 nucleotide in exon 11 of the BRCA2 gene, creating a frameshift and premature translation stop signal. This variant is expected to result in an absent or non-functional protein product. To our knowledge, this variant has not been reported in individuals affected with hereditary cancer in the literature. This variant has not been identified in the general population by the Genome Aggregation Database (gnomAD). Loss of BRCA2 function is a known mechanism of disease. Based on the available evidence, this variant is classified as Pathogenic.

Consortium of Investigators of Modifiers of BRCA1/2 (CIMBA), c/o University of Cambridge
Classification: Pathogenic for Breast-ovarian cancer, familial, susceptibility to, 2. Last evaluated: 2015-10-02. Review status: criteria provided, single submitter. Criteria: CIMBA Mutation Classification guidelines May 2016. Collection method: clinical testing. Allele origin: germline. Not counted in ClinVar's aggregate classification.